The following is an entry in ClinVar:

ClinVar aggregate classification (germline): Uncertain significance. Review status: criteria provided, multiple submitters, no conflicts (2 of 4 stars). 2 submissions from 2 submitters: Uncertain significance (2). Last evaluated 2025-12-28.

Conditions:
Hereditary cancer-predisposing syndrome. Also called: Hereditary Cancer Syndrome; Neoplastic Syndromes, Hereditary; Tumor predisposition; Hereditary neoplastic syndrome. Identifiers: Orphanet 140162, MedGen C0027672, MeSH D009386, MONDO:0015356.
Hereditary diffuse gastric adenocarcinoma (HDGC). Also called: DIFFUSE GASTRIC AND LOBULAR BREAST CANCER SYNDROME. Identifiers: Orphanet 26106, MedGen C1708349, MONDO:0007648, OMIM 137215.

Submissions (2):

Ambry Genetics
Classification: Uncertain significance for Hereditary cancer-predisposing syndrome. Last evaluated: 2025-12-28. Review status: criteria provided, single submitter. Criteria: Ambry Variant Classification Scheme 2023. Collection method: clinical testing. Allele origin: germline.
Comment: The p.E806G variant (also known as c.2417A>G), located in coding exon 15 of the CDH1 gene, results from an A to G substitution at nucleotide position 2417. The glutamic acid at codon 806 is replaced by glycine, an amino acid with similar properties. This amino acid position is conserved. In addition, this alteration is predicted to be deleterious by in silico analysis. Based on the available evidence, the clinical significance of this variant remains unclear.

Labcorp Genetics (formerly Invitae), Labcorp
Classification: Uncertain significance for Hereditary diffuse gastric adenocarcinoma. Last evaluated: 2020-09-21. Review status: criteria provided, single submitter. Criteria: Invitae Variant Classification Sherloc (09022015). Collection method: clinical testing. Allele origin: germline.
Comment: In summary, the available evidence is currently insufficient to determine the role of this variant in disease. Therefore, it has been classified as a Variant of Uncertain Significance. Algorithms developed to predict the effect of missense changes on protein structure and function are either unavailable or do not agree on the potential impact of this missense change (SIFT: "Deleterious"; PolyPhen-2: "Probably Damaging"; Align-GVGD: "Class C0"). This variant has not been reported in the literature in individuals with CDH1-related conditions. This variant is not present in population databases (ExAC no frequency). This sequence change replaces glutamic acid with glycine at codon 806 of the CDH1 protein (p.Glu806Gly). The glutamic acid residue is highly conserved and there is a moderate physicochemical difference between glutamic acid and glycine.

NM_004360.5(CDH1):c.2417A>G (p.Glu806Gly)

Gene: CDH1 (cadherin 1; plus strand). Cytogenetic location: 16q22.1.
Variant type: single nucleotide variant.
Coding change: c.2417A>G on transcript NM_004360.5 (MANE Select); coding-DNA position 2417, A replaced by G.
Protein change: p.Glu806Gly; replaces glutamic acid 806 with glycine.
Molecular consequence: missense variant.
Genome position (GRCh38, 1-based): chr16:68,829,775, A>G. VCF-style: chr16-68829775-A-G. GRCh37 (hg19) VCF-style: chr16-68863678-A-G.
Other names: c.2234A>G, p.Glu745Gly (NM_001317184.2); c.869A>G, p.Glu290Gly (NM_001317185.2); c.452A>G, p.Glu151Gly (NM_001317186.2); c.2417A>G (NM_004360.3); short protein forms E151G, E290G, E745G, E806G.
Identifiers: ClinVar variation 1062960 (VCV001062960.10), dbSNP rs2152142446, ClinGen allele CA396471288.